The following is an entry in ClinVar:

ClinVar aggregate classification (germline): Uncertain significance (1 of 4 stars; one submission).

Allele frequency attached by ClinVar (database versions not stated): TOPMed below 0.00001.

Submission:

Labcorp Genetics (formerly Invitae), Labcorp
Classification: Uncertain significance. Last evaluated: 2023-12-28. Review status: criteria provided, single submitter. Criteria: Invitae Variant Classification Sherloc (09022015). Collection method: clinical testing. Allele origin: germline.
Comment: This sequence change affects codon 376 of the GFAP mRNA. It is a 'silent' change, meaning that it does not change the encoded amino acid sequence of the GFAP protein. It affects a nucleotide within the consensus splice site. This variant is not present in population databases (gnomAD no frequency). This variant has not been reported in the literature in individuals affected with GFAP-related conditions. Algorithms developed to predict the effect of sequence changes on RNA splicing suggest that this variant is not likely to affect RNA splicing. In summary, the available evidence is currently insufficient to determine the role of this variant in disease. Therefore, it has been classified as a Variant of Uncertain Significance.

NM_002055.5(GFAP):c.1128G>C (p.Arg376=)

Gene: GFAP (glial fibrillary acidic protein; minus strand). Cytogenetic location: 17q21.31.
Variant type: single nucleotide variant.
Coding change: c.1128G>C on transcript NM_002055.5 (MANE Select); coding-DNA position 1128, G replaced by C.
Protein change: p.Arg376=; no amino-acid change (arginine 376 retained).
Molecular consequence: synonymous variant.
Genome position (GRCh38, 1-based): chr17:44,910,658, C>G on the plus strand (G>C on the coding strand, the complement: GFAP is on the minus strand). VCF-style: chr17-44910658-C-G. GRCh37 (hg19) VCF-style: chr17-42988026-C-G.
Other names: c.1128G>C, p.Arg376= (NM_001131019.3, NM_001242376.3, NM_001363846.2).
Identifiers: ClinVar variation 2770691 (VCV002770691.3), dbSNP rs757984319, ClinGen allele CA500321233.